The following is an entry in ClinVar:

ClinVar aggregate classification (germline): Uncertain significance. Review status: criteria provided, multiple submitters, no conflicts (2 of 4 stars). 3 submissions from 3 submitters: Uncertain significance (3). Last evaluated 2025-07-30.

Conditions:
Hereditary nonpolyposis colorectal neoplasms. Identifiers: MedGen C0009405, MeSH D003123.
Hereditary cancer-predisposing syndrome. Also called: Hereditary neoplastic syndrome; Neoplastic Syndromes, Hereditary; Tumor predisposition; Hereditary Cancer Syndrome. Identifiers: Orphanet 140162, MedGen C0027672, MeSH D009386, MONDO:0015356.

gnomAD v4.1: 1 of 1,614,088 alleles (0.000062%); no homozygotes.

Submissions (3):

Labcorp Genetics (formerly Invitae), Labcorp
Classification: Uncertain significance for Hereditary nonpolyposis colorectal neoplasms. Last evaluated: 2025-07-30. Review status: criteria provided, single submitter. Criteria: Invitae Variant Classification Sherloc (09022015). Collection method: clinical testing. Allele origin: germline.
Comment: This sequence change replaces threonine, which is neutral and polar, with arginine, which is basic and polar, at codon 716 of the MSH6 protein (p.Thr716Arg). This variant is not present in population databases (gnomAD no frequency). This variant has not been reported in the literature in individuals affected with MSH6-related conditions. ClinVar contains an entry for this variant (Variation ID: 422306). Invitae Evidence Modeling of protein sequence and biophysical properties (such as structural, functional, and spatial information, amino acid conservation, physicochemical variation, residue mobility, and thermodynamic stability) indicates that this missense variant is not expected to disrupt MSH6 protein function with a negative predictive value of 95%. In summary, the available evidence is currently insufficient to determine the role of this variant in disease. Therefore, it has been classified as a Variant of Uncertain Significance.

Ambry Genetics
Classification: Uncertain significance for Hereditary cancer-predisposing syndrome. Last evaluated: 2024-12-31. Review status: criteria provided, single submitter. Criteria: Ambry Variant Classification Scheme 2023. Collection method: clinical testing. Allele origin: germline.
Comment: The p.T716R variant (also known as c.2147C>G), located in coding exon 4 of the MSH6 gene, results from a C to G substitution at nucleotide position 2147. The threonine at codon 716 is replaced by arginine, an amino acid with similar properties. This amino acid position is poorly conserved in available vertebrate species. In addition, this alteration is predicted to be tolerated by in silico analysis. Since supporting evidence is limited at this time, the clinical significance of this alteration remains unclear.

GeneDx
Classification: Uncertain significance. Last evaluated: 2016-09-23. Review status: criteria provided, single submitter. Criteria: GeneDx Variant Classification (06012015). Collection method: clinical testing. Allele origin: germline. Affected: yes.
Comment: This variant is denoted MSH6 c.2147C>G at the cDNA level, p.Thr716Arg (T716R) at the protein level, and results in the change of a Threonine to an Arginine (ACA>AGA). This variant has not, to our knowledge, been published in the literature as pathogenic or benign. MSH6 Thr716Arg was not observed in approximately 6,500 individuals of European and African American ancestry in the NHLBI Exome Sequencing Project, suggesting it is not a common benign variant in these populations. Since Threonine and Arginine differ in some properties, this is considered a semi-conservative amino acid substitution. MSH6 Thr716Arg occurs at a position that is not conserved and is located in domain III of the MutS domain (Terui 2013). In silico analyses are inconsistent regarding the effect this variant may have on protein structure and function. Based on currently available evidence, it is unclear whether MSH6 Thr716Arg is a pathogenic or benign variant. We consider it to be a variant of uncertain significance.

NM_000179.3(MSH6):c.2147C>G (p.Thr716Arg)

Gene: MSH6 (mutS homolog 6; plus strand). Cytogenetic location: 2p16.3.
Variant type: single nucleotide variant.
Coding change: c.2147C>G on transcript NM_000179.3 (MANE Select); coding-DNA position 2147, C replaced by G.
Protein change: p.Thr716Arg; replaces threonine 716 with arginine.
Molecular consequence: missense variant.
Genome position (GRCh38, 1-based): chr2:47,800,130, C>G. VCF-style: chr2-47800130-C-G. GRCh37 (hg19) VCF-style: chr2-48027269-C-G.
Other names: c.1757C>G, p.Thr586Arg (NM_001281492.2); c.1241C>G, p.Thr414Arg (NM_001281493.2, NM_001281494.2); short protein forms T716R, T414R, T586R.
Identifiers: ClinVar variation 422306 (VCV000422306.19), dbSNP rs587782805, ClinGen allele CA16617668.